The following is an entry in ClinVar:

NM_001184.4(ATR):c.1024C>A (p.Leu342Ile)

Gene: ATR (ATR checkpoint kinase; minus strand). Cytogenetic location: 3q23.
Variant type: single nucleotide variant.
Coding change: c.1024C>A on transcript NM_001184.4 (MANE Select); coding-DNA position 1024, C replaced by A.
Protein change: p.Leu342Ile; replaces leucine 342 with isoleucine.
Molecular consequence: missense variant.
Genome position (GRCh38, 1-based): chr3:142,562,378, G>T on the plus strand (C>A on the coding strand, the complement: ATR is on the minus strand). VCF-style: chr3-142562378-G-T. GRCh37 (hg19) VCF-style: chr3-142281220-G-T.
Other names: c.1024C>A, p.Leu342Ile (NM_001354579.2); short protein forms L342I.
Identifiers: ClinVar variation 1769031 (VCV001769031.2), dbSNP rs2473425652, ClinGen allele CA354823980.

ClinVar aggregate classification (germline): Uncertain significance (1 of 4 stars; one submission).

Conditions:
Inborn genetic diseases. Identifiers: MedGen C0950123, MeSH D030342.

Allele frequency attached by ClinVar (database versions not stated): gnomAD exomes below 0.00001.
gnomAD v4.1: 2 of 1,614,138 alleles (0.00012%); highest among the groups gnomAD compares: Non-Finnish European, 0.00017%; no homozygotes.

Submission:

Ambry Genetics
Classification: Uncertain significance for Inborn genetic diseases. Last evaluated: 2022-10-04. Review status: criteria provided, single submitter. Criteria: Ambry Variant Classification Scheme 2023. Collection method: clinical testing. Allele origin: germline.
Comment: The p.L342I variant (also known as c.1024C>A), located in coding exon 4 of the ATR gene, results from a C to A substitution at nucleotide position 1024. The leucine at codon 342 is replaced by isoleucine, an amino acid with highly similar properties. This amino acid position is conserved. In addition, this alteration is predicted to be tolerated by in silico analysis. Since supporting evidence is limited at this time, the clinical significance of this alteration remains unclear.